The following is an entry in ClinVar:

NM_005654.6(NR2F1):c.609C>A (p.Tyr203Ter)

Gene: NR2F1 (nuclear receptor subfamily 2 group F member 1; plus strand). Cytogenetic location: 5q15.
Variant type: single nucleotide variant.
Coding change: c.609C>A on transcript NM_005654.6 (MANE Select); coding-DNA position 609, C replaced by A.
Protein change: p.Tyr203Ter; replaces tyrosine 203 with a stop codon.
Molecular consequence: nonsense.
Genome position (GRCh38, 1-based): chr5:93,588,062, C>A. VCF-style: chr5-93588062-C-A. GRCh37 (hg19) VCF-style: chr5-92923768-C-A.
Other names: c.159C>A, p.Tyr53Ter (NM_001410754.1); short protein forms Y203*, Y53*.
Identifiers: ClinVar variation 4734207 (VCV004734207.1).

ClinVar aggregate classification (germline): Pathogenic (1 of 4 stars; one submission).

Submission:

Labcorp Genetics (formerly Invitae), Labcorp
Classification: Pathogenic. Last evaluated: 2026-01-01. Review status: criteria provided, single submitter. Criteria: Invitae Variant Classification Sherloc (09022015). Collection method: clinical testing. Allele origin: germline.
Comment: This sequence change creates a premature translational stop signal (p.Tyr203*) in the NR2F1 gene. It is expected to result in an absent or disrupted protein product. Loss-of-function variants in NR2F1 are known to be pathogenic (PMID: 14738874, 24462372). This variant is not present in population databases (gnomAD no frequency). This variant has not been reported in the literature in individuals affected with NR2F1-related conditions. For these reasons, this variant has been classified as Pathogenic.

Literature cited by the submitters: PubMed 14738874; PubMed 24462372.